The following is an entry in ClinVar:

NM_000021.4(PSEN1):c.935A>C (p.Asn312Thr)

Gene: PSEN1 (presenilin 1; plus strand). Cytogenetic location: 14q24.2.
Variant type: single nucleotide variant.
Coding change: c.935A>C on transcript NM_000021.4 (MANE Select); coding-DNA position 935, A replaced by C.
Protein change: p.Asn312Thr; replaces asparagine 312 with threonine.
Molecular consequence: missense variant.
Genome position (GRCh38, 1-based): chr14:73,206,452, A>C. VCF-style: chr14-73206452-A-C. GRCh37 (hg19) VCF-style: chr14-73673160-A-C.
Other names: c.923A>C, p.Asn308Thr (NM_007318.3); short protein forms N308T, N312T.
Identifiers: ClinVar variation 2446248 (VCV002446248.1), dbSNP rs1218781036, ClinGen allele CA390304988.

ClinVar aggregate classification (germline): Uncertain significance (1 of 4 stars; one submission).

Allele frequency attached by ClinVar (database versions not stated): TOPMed below 0.00001.

Submission:

GeneDx
Classification: Uncertain significance. Last evaluated: 2022-09-22. Review status: criteria provided, single submitter. Criteria: GeneDx Variant Classification Process June 2021. Collection method: clinical testing. Allele origin: germline. Affected: yes.
Comment: Not observed at significant frequency in large population cohorts (gnomAD); In silico analysis supports that this missense variant does not alter protein structure/function; Has not been previously published as pathogenic or benign to our knowledge